The following is an entry in ClinVar:

NM_001369369.1(FOXN1):c.629G>C (p.Gly210Ala)

Gene: FOXN1 (forkhead box N1; plus strand). Cytogenetic location: 17q11.2.
Variant type: single nucleotide variant.
Coding change: c.629G>C on transcript NM_001369369.1 (MANE Select); coding-DNA position 629, G replaced by C.
Protein change: p.Gly210Ala; replaces glycine 210 with alanine.
Molecular consequence: missense variant.
Genome position (GRCh38, 1-based): chr17:28,527,291, G>C. VCF-style: chr17-28527291-G-C. GRCh37 (hg19) VCF-style: chr17-26854309-G-C.
Other names: c.629G>C, p.Gly210Ala (NM_003593.3); short protein forms G210A.
Identifiers: ClinVar variation 1720733 (VCV001720733.6), dbSNP rs2508376437, ClinGen allele CA398322275.

ClinVar aggregate classification (germline): Uncertain significance (1 of 4 stars; one submission).

Conditions:
T-cell immunodeficiency, congenital alopecia, and nail dystrophy. Also called: Congenital alopecia and nail dystrophy associated with severe functional T-cell immunodeficiency; Pignata Guarino syndrome. Identifiers: Orphanet 169095, MedGen C1866426, MONDO:0011132, OMIM 601705.

Allele frequency attached by ClinVar (database versions not stated): gnomAD exomes 0.00001.
gnomAD v4.1: 11 of 1,614,094 alleles (0.00068%); highest among the groups gnomAD compares: Non-Finnish European, 0.00093%; no homozygotes.

Submission:

Labcorp Genetics (formerly Invitae), Labcorp
Classification: Uncertain significance for T-cell immunodeficiency, congenital alopecia, and nail dystrophy. Last evaluated: 2025-11-03. Review status: criteria provided, single submitter. Criteria: Invitae Variant Classification Sherloc (09022015). Collection method: clinical testing. Allele origin: germline.
Comment: This sequence change replaces glycine, which is neutral and non-polar, with alanine, which is neutral and non-polar, at codon 210 of the FOXN1 protein (p.Gly210Ala). This variant is not present in population databases (gnomAD no frequency). This variant has not been reported in the literature in individuals affected with FOXN1-related conditions. ClinVar contains an entry for this variant (Variation ID: 1720733). Invitae Evidence Modeling of protein sequence and biophysical properties (such as structural, functional, and spatial information, amino acid conservation, physicochemical variation, residue mobility, and thermodynamic stability) indicates that this missense variant is not expected to disrupt FOXN1 protein function with a negative predictive value of 80%. In summary, the available evidence is currently insufficient to determine the role of this variant in disease. Therefore, it has been classified as a Variant of Uncertain Significance.